The following is an entry in ClinVar:

ClinVar aggregate classification (germline): Uncertain significance (1 of 4 stars; one submission).

Submission:

GeneDx
Classification: Uncertain significance. Last evaluated: 2025-03-06. Review status: criteria provided, single submitter. Criteria: GeneDx Variant Classification Process June 2021. Collection method: clinical testing. Allele origin: germline.
Comment: Not observed at significant frequency in large population cohorts (gnomAD); In silico analysis indicates that this missense variant does not alter protein structure/function; Has not been previously published as pathogenic or benign to our knowledge

NM_018990.4(SASH3):c.910G>A (p.Ala304Thr)

Gene: SASH3 (SAM and SH3 domain containing 3; plus strand). Cytogenetic location: Xq26.1.
Variant type: single nucleotide variant.
Coding change: c.910G>A on transcript NM_018990.4 (MANE Select); coding-DNA position 910, G replaced by A.
Protein change: p.Ala304Thr; replaces alanine 304 with threonine.
Molecular consequence: missense variant.
Genome position (GRCh38, 1-based): chrX:129,793,097, G>A. VCF-style: chrX-129793097-G-A. GRCh37 (hg19) VCF-style: chrX-128927073-G-A.
Other names: short protein forms A304T.
Identifiers: ClinVar variation 3367292 (VCV003367292.2).